The following is an entry in ClinVar:

ClinVar aggregate classification (germline): Likely pathogenic (1 of 4 stars; one submission).

Conditions:
Glutaric acidemia type 2A.

Submission:

Natera, Inc.
Classification: Likely pathogenic for Glutaric acidemia type 2A. Last evaluated: 2025-10-24. Review status: criteria provided, single submitter. Criteria: Natera Variant Classification Schema (03/2026). Collection method: clinical testing. Allele origin: germline.
Comment: The c.37_39+1del variant in ETFA is a canonical splice donor site variant predicted to affect pre-mRNA splicing, which may result in an abnormal transcript and altered protein product. This variant is expected to result in nonsense mediated decay, truncation, or a dysfunctional protein product. This variant is rare in the general population with a frequency below the threshold expected for the associated phenotype(s). Given the available evidence, this variant is classified as Likely Pathogenic.

NM_000126.4(ETFA):c.37_39+1del

Gene: ETFA (electron transfer flavoprotein subunit alpha; minus strand). Cytogenetic location: 15q24.3.
Variant type: Microsatellite.
Coding change: c.37_39+1del on transcript NM_000126.4 (MANE Select); coding-DNA position 37 through the canonical splice donor site of the intron after coding-DNA position 39, 4 bases deleted (GCGG; older notation c.37_39+1delGCGG).
Molecular consequence: splice donor variant.
Genome position (GRCh38, 1-based): chr15:76,311,349-76,311,352, CCGC deleted on the plus strand (GCGG on the coding strand, the reverse complement: ETFA is on the minus strand); deleting any 4 consecutive bases within chr15:76,311,349-76,311,357 gives the same sequence; the c. name uses the placement nearest the transcript's 3' end. VCF-style (leftmost placement, unchanged base first): chr15-76311348-ACCGC-A. GRCh37 (hg19) VCF-style: chr15-76603689-ACCGC-A.
Other names: c.37_39+1del (NM_001127716.2).
Identifiers: ClinVar variation 4817472 (VCV004817472.1).